The following is an entry in ClinVar:

NM_000540.3(RYR1):c.7489G>C (p.Asp2497His)

Gene: RYR1 (ryanodine receptor 1; plus strand). Cytogenetic location: 19q13.2.
Variant type: single nucleotide variant.
Coding change: c.7489G>C on transcript NM_000540.3 (MANE Select); coding-DNA position 7489, G replaced by C.
Protein change: p.Asp2497His; replaces aspartic acid 2497 with histidine.
Molecular consequence: missense variant.
Genome position (GRCh38, 1-based): chr19:38,500,865, G>C. VCF-style: chr19-38500865-G-C. GRCh37 (hg19) VCF-style: chr19-38991505-G-C.
Other names: c.7489G>C, p.Asp2497His (NM_001042723.2); c.7489G>C (NM_000540.2); short protein forms D2497H.
Identifiers: ClinVar variation 1009206 (VCV001009206.11), dbSNP rs1430162222, ClinGen allele CA405670308.
Genomic context (GRCh38, chr19:38,500,865, plus strand): 5'-CCCTCCCTGCCTGCAGATGGGGCTCTGGTGCAGCCAAAGATGTCAGCATCCTTCGTGCCG[G>C]ACCACAAGGCGTCCATGGTGCTCTTCCTGGACCGTGTGTATGGCATCGAGAACCAGGACT-3'
Protein context (NP_000531.2, residues 2487-2507): QPKMSASFVP[Asp2497His]HKASMVLFLD

ClinVar aggregate classification (germline): Uncertain significance. Review status: criteria provided, multiple submitters, no conflicts (2 of 4 stars). 2 submissions from 2 submitters: Uncertain significance (2). Last evaluated 2020-04-15.

Conditions:
RYR1-related disorder. Also called: RYR1-related condition; RYR1-related disorders. Identifiers: MedGen CN239331.

Submissions (2):

Labcorp Genetics (formerly Invitae), Labcorp
Classification: Uncertain significance for RYR1-related disorder. Last evaluated: 2020-04-15. Review status: criteria provided, single submitter. Criteria: Invitae Variant Classification Sherloc (09022015). Collection method: clinical testing. Allele origin: germline.
Comment: This sequence change replaces aspartic acid with histidine at codon 2497 of the RYR1 protein (p.Asp2497His). The aspartic acid residue is highly conserved and there is a moderate physicochemical difference between aspartic acid and histidine. In summary, the available evidence is currently insufficient to determine the role of this variant in disease. Therefore, it has been classified as a Variant of Uncertain Significance. Algorithms developed to predict the effect of missense changes on protein structure and function are either unavailable or do not agree on the potential impact of this missense change (SIFT: "Deleterious"; PolyPhen-2: "Benign"; Align-GVGD: "Class C0"). This variant has not been reported in the literature in individuals with RYR1-related conditions. This variant is not present in population databases (ExAC no frequency).

Revvity Omics, Revvity
Classification: Uncertain significance. Last evaluated: 2020-03-27. Review status: criteria provided, single submitter. Criteria: ACMG Guidelines, 2015. Collection method: clinical testing. Allele origin: germline.